The following is an entry in ClinVar:

NM_000316.3(PTH1R):c.915C>G (p.Tyr305Ter)

Gene: PTH1R (parathyroid hormone 1 receptor; plus strand). Cytogenetic location: 3p21.31.
Variant type: single nucleotide variant.
Coding change: c.915C>G on transcript NM_000316.3 (MANE Select); coding-DNA position 915, C replaced by G.
Protein change: p.Tyr305Ter; replaces tyrosine 305 with a stop codon.
Molecular consequence: nonsense.
Genome position (GRCh38, 1-based): chr3:46,899,383, C>G. VCF-style: chr3-46899383-C-G. GRCh37 (hg19) VCF-style: chr3-46940873-C-G.
Other names: c.915C>G, p.Tyr305Ter (NM_001184744.1); short protein forms Y305*.
Identifiers: ClinVar variation 1709439 (VCV001709439.2), dbSNP rs1575522892, ClinGen allele CA352498646.
Genomic context (GRCh38, chr3:46,899,383, plus strand): 5'-GACCTTCTTCCTTTACTTCCTGGCCACCAACTACTACTGGATTCTGGTGGAGGGGCTGTA[C>G]CTGCACAGCCTCATCTTCATGGCCTTCTTCTCAGAGAAGAAGTACCTGTGGGGCTTCACA-3'

ClinVar aggregate classification (germline): Likely pathogenic (1 of 4 stars; one submission).

Conditions:
Primary failure of tooth eruption. Also called: POSTERIOR OPENBITE MALOCCLUSION, FAMILIAL; PRIMARY RETENTION OF TEETH; UNERUPTED SECOND PRIMARY MOLAR; DENTAL NONERUPTION. Identifiers: Orphanet 412206, MedGen C1852222, MONDO:0007434, OMIM 125350.

Submission:

MGZ Medical Genetics Center
Classification: Likely pathogenic for Primary failure of tooth eruption. Last evaluated: 2022-04-27. Review status: criteria provided, single submitter. Criteria: ACMG Guidelines, 2015. Collection method: clinical testing. Allele origin: germline. Affected: yes. Observed: 1 variant allele.
Comment: ACMG criteria applied: PVS1, PM2_SUP